The following is an entry in ClinVar:

NM_001204.7(BMPR2):c.*7306A>G

Gene: BMPR2 (bone morphogenetic protein receptor type 2; plus strand). Cytogenetic location: 2q33.2.
Variant type: single nucleotide variant.
Coding change: c.*7306A>G on transcript NM_001204.7 (MANE Select); 7306 bases downstream of the stop codon, A replaced by G.
Molecular consequence: 3 prime UTR variant.
Genome position (GRCh38, 1-based): chr2:202,567,252, A>G. VCF-style: chr2-202567252-A-G. GRCh37 (hg19) VCF-style: chr2-203431975-A-G.
Other names: c.*7306A>G (LRG_712t1).
Identifiers: ClinVar variation 333727 (VCV000333727.5), dbSNP rs546032510, ClinGen allele CA10613932.

ClinVar aggregate classification (germline): Benign (1 of 4 stars; one submission).

Conditions:
Pulmonary hypertension, primary, 1 (PPH1). Also called: Pulmonary hypertension, familial primary, 1, with or without HHT. Identifiers: Orphanet 422, MedGen C4552070, MONDO:0024533, OMIM 178600.

Allele frequency attached by ClinVar (database versions not stated): 1000 Genomes Project 0.00040; 1000 Genomes Project 30x 0.00031; TOPMed 0.00001.

Submission:

Illumina Laboratory Services, Illumina
Classification: Benign for Pulmonary hypertension, primary, 1. Last evaluated: 2018-01-12. Review status: criteria provided, single submitter. Criteria: ICSL Variant Classification Criteria 13 December 2019. Collection method: clinical testing. Allele origin: germline.
Comment: This variant was observed in the ICSL laboratory as part of a predisposition screen in an ostensibly healthy population. It had not been previously curated by ICSL or reported in the Human Gene Mutation Database (HGMD: prior to June 1st, 2018), and was therefore a candidate for classification through an automated scoring system. Utilizing variant allele frequency, disease prevalence and penetrance estimates, and inheritance mode, an automated score was calculated to assess if this variant is too frequent to cause the disease. Based on the score and internal cut-off values, a variant classified as benign is not then subjected to further curation. The score for this variant resulted in a classification of benign for this disease.